The following is an entry in ClinVar:

ClinVar aggregate classification (germline): Uncertain significance (1 of 4 stars; one submission).

Allele frequency attached by ClinVar (database versions not stated): ESP Exome Variant Server 0.00009; gnomAD 0.00009; TOPMed 0.00011; ExAC 0.00002; 1000 Genomes Project 0.00026; gnomAD exomes 0.00001; 1000 Genomes Project 30x 0.00021.
gnomAD v4.1: 17 of 1,209,067 alleles (0.0014%); highest among the groups gnomAD compares: African/African-American, 0.03%; no homozygotes.

Submission:

Labcorp Genetics (formerly Invitae), Labcorp
Classification: Uncertain significance. Last evaluated: 2025-06-12. Review status: criteria provided, single submitter. Criteria: Invitae Variant Classification Sherloc (09022015). Collection method: clinical testing. Allele origin: germline.
Comment: This sequence change replaces glutamine, which is neutral and polar, with glutamic acid, which is acidic and polar, at codon 153 of the COL4A6 protein (p.Gln153Glu). This variant is present in population databases (rs184622613, gnomAD 0.04%). This variant has not been reported in the literature in individuals affected with COL4A6-related conditions. ClinVar contains an entry for this variant (Variation ID: 1969118). Invitae Evidence Modeling of protein sequence and biophysical properties (such as structural, functional, and spatial information, amino acid conservation, physicochemical variation, residue mobility, and thermodynamic stability) indicates that this missense variant is not expected to disrupt COL4A6 protein function with a negative predictive value of 80%. In summary, the available evidence is currently insufficient to determine the role of this variant in disease. Therefore, it has been classified as a Variant of Uncertain Significance.

NM_033641.4(COL4A6):c.454C>G (p.Gln152Glu)

Gene: COL4A6 (collagen type IV alpha 6 chain; minus strand). Cytogenetic location: Xq22.3.
Variant type: single nucleotide variant.
Coding change: c.454C>G on transcript NM_033641.4 (MANE Select); coding-DNA position 454, C replaced by G.
Protein change: p.Gln152Glu; replaces glutamine 152 with glutamic acid.
Molecular consequence: missense variant.
Genome position (GRCh38, 1-based): chrX:108,211,728, G>C on the plus strand (C>G on the coding strand, the complement: COL4A6 is on the minus strand). VCF-style: chrX-108211728-G-C. GRCh37 (hg19) VCF-style: chrX-107454958-G-C.
Other names: c.454C>G, p.Gln152Glu (NM_001287758.2, NM_001287759.2, NM_001287760.2); c.457C>G, p.Gln153Glu (NM_001847.4); short protein forms Q152E, Q153E.
Identifiers: ClinVar variation 1969118 (VCV001969118.5), dbSNP rs184622613, ClinGen allele CA10488159.